The following is an entry in ClinVar:

ClinVar aggregate classification (germline): Uncertain significance (1 of 4 stars; one submission).

Conditions:
Autosomal recessive limb-girdle muscular dystrophy type 2F (LGMDR6). Also called: MUSCULAR DYSTROPHY, LIMB-GIRDLE, AUTOSOMAL RECESSIVE 6; Muscular dystrophy limb-girdle with delta-sarcoglyan deficiency. Identifiers: Orphanet 219, MedGen C1832525, MONDO:0011028, OMIM 601287. Disease mechanism: Affects gamma-sarcoglycan and also disrupts the integrity of the entire sarcoglycan complex..

Allele frequency attached by ClinVar (database versions not stated): gnomAD exomes below 0.00001; gnomAD 0.00001.
gnomAD v4.1: 2 of 1,601,316 alleles (0.00012%); highest among the groups gnomAD compares: African/African-American, 0.0013%; no homozygotes.

Submission:

Labcorp Genetics (formerly Invitae), Labcorp
Classification: Uncertain significance for Autosomal recessive limb-girdle muscular dystrophy type 2F. Last evaluated: 2020-09-09. Review status: criteria provided, single submitter. Criteria: Invitae Variant Classification Sherloc (09022015). Collection method: clinical testing. Allele origin: germline.
Comment: This sequence change falls in intron 8 of the SGCD gene. It does not directly change the encoded amino acid sequence of the SGCD protein, but it affects a nucleotide within the consensus splice site of the intron. This variant is not present in population databases (ExAC no frequency). This variant has not been reported in the literature in individuals with SGCD-related conditions. Nucleotide substitutions within the consensus splice site are a relatively common cause of aberrant splicing (PMID: 17576681, 9536098). Algorithms developed to predict the effect of sequence changes on RNA splicing suggest that this variant is not likely to affect RNA splicing, but this prediction has not been confirmed by published transcriptional studies. In summary, the available evidence is currently insufficient to determine the role of this variant in disease. Therefore, it has been classified as a Variant of Uncertain Significance.

Literature cited by the submitters: PubMed 17576681; PubMed 9536098.

NM_000337.6(SGCD):c.699+3G>A

Gene: SGCD (sarcoglycan delta; plus strand). Cytogenetic location: 5q33.3.
Variant type: single nucleotide variant.
Coding change: c.699+3G>A on transcript NM_000337.6 (MANE Select); 3 bases into the intron after coding-DNA position 699, G replaced by A.
Molecular consequence: intron variant. On other transcripts: synonymous variant (1).
Genome position (GRCh38, 1-based): chr5:156,757,707, G>A. VCF-style: chr5-156757707-G-A. GRCh37 (hg19) VCF-style: chr5-156184718-G-A.
Other names: c.702G>A, p.Val234= (NM_172244.3); c.696+3G>A (NM_001128209.2).
Identifiers: ClinVar variation 1041081 (VCV001041081.4), dbSNP rs1757394496, ClinGen allele CA1083333865.
Genomic context (GRCh38, chr5:156,757,707, plus strand): 5'-TGGCAATATGGAAGCCACCTGCAGGACAGAGCTGAGACTGGAATCCAAAGATGGAGAGGT[G>A]AGGGATGAGAAGGACAGAAGTTCAAAGAGCTACAGCTTCAACAGGCCAACCCTTCCCATA-3'